The following is an entry in ClinVar:

NM_001048174.2(MUTYH):c.959C>G (p.Pro320Arg)

Gene: MUTYH (mutY DNA glycosylase; minus strand). Cytogenetic location: 1p34.1.
Variant type: single nucleotide variant.
Coding change: c.959C>G on transcript NM_001048174.2 (MANE Select); coding-DNA position 959, C replaced by G.
Protein change: p.Pro320Arg; replaces proline 320 with arginine.
Molecular consequence: missense variant. On other transcripts: non-coding transcript variant (7).
Genome position (GRCh38, 1-based): chr1:45,331,804, G>C on the plus strand (C>G on the coding strand, the complement: MUTYH is on the minus strand). VCF-style: chr1-45331804-G-C. GRCh37 (hg19) VCF-style: chr1-45797476-G-C.
Other names: c.1043C>G, p.Pro348Arg (NM_001128425.2); c.1004C>G, p.Pro335Arg (NM_001293190.2); c.992C>G, p.Pro331Arg (NM_001293191.2, NM_001407069.1, NM_001407077.1); c.683C>G, p.Pro228Arg (NM_001293192.2, NM_001293196.2, NM_001407091.1); c.959C>G, p.Pro320Arg (NM_001293195.2, NM_001407088.1, NM_001407089.1 and 6 more transcripts); c.614C>G, p.Pro205Arg (NM_001350650.2, NM_001350651.2, NM_001407082.1); c.1001C>G, p.Pro334Arg (NM_001407083.1, NM_001407085.1); c.962C>G, p.Pro321Arg (NM_001407086.1, NM_001048172.2, NM_001407071.1 and 1 more transcripts); and 5 more; short protein forms P205R, P320R, P292R, P306R, P307R, P331R, P334R, P321R.
Identifiers: ClinVar variation 4112956 (VCV004112956.1).

ClinVar aggregate classification (germline): Uncertain significance (1 of 4 stars; one submission).

Conditions:
Hereditary cancer-predisposing syndrome. Also called: Tumor predisposition; Neoplastic Syndromes, Hereditary; Hereditary neoplastic syndrome; Hereditary Cancer Syndrome. Identifiers: Orphanet 140162, MedGen C0027672, MeSH D009386, MONDO:0015356.

Submission:

Ambry Genetics
Classification: Uncertain significance for Hereditary cancer-predisposing syndrome. Last evaluated: 2025-08-27. Review status: criteria provided, single submitter. Criteria: Ambry Variant Classification Scheme 2023. Collection method: clinical testing. Allele origin: germline.
Comment: The p.P348R variant (also known as c.1043C>G), located in coding exon 12 of the MUTYH gene, results from a C to G substitution at nucleotide position 1043. The proline at codon 348 is replaced by arginine, an amino acid with dissimilar properties. This amino acid position is conserved. In addition, the in silico prediction for this alteration is inconclusive. Based on the available evidence, the clinical significance of this variant remains unclear.